The following is an entry in ClinVar:

NM_001375524.1(TRRAP):c.2642G>A (p.Arg881His)

Gene: TRRAP (transformation/transcription domain associated protein; plus strand). Cytogenetic location: 7q22.1.
Variant type: single nucleotide variant.
Coding change: c.2642G>A on transcript NM_001375524.1 (MANE Select); coding-DNA position 2642, G replaced by A.
Protein change: p.Arg881His; replaces arginine 881 with histidine.
Molecular consequence: missense variant.
Genome position (GRCh38, 1-based): chr7:98,921,772, G>A. VCF-style: chr7-98921772-G-A. GRCh37 (hg19) VCF-style: chr7-98519395-G-A.
Other names: c.2642G>A, p.Arg881His (NM_001244580.2, NM_003496.4); short protein forms R881H.
Identifiers: ClinVar variation 2712724 (VCV002712724.3), dbSNP rs782386735, ClinGen allele CA4359812.

ClinVar aggregate classification (germline): Uncertain significance (1 of 4 stars; one submission).

Allele frequency attached by ClinVar (database versions not stated): gnomAD 0.00001; TOPMed 0.00001; ExAC 0.00002.
gnomAD v4.1: 15 of 1,614,026 alleles (0.00093%); highest among the groups gnomAD compares: South Asian, 0.0066%; no homozygotes.

Submission:

Labcorp Genetics (formerly Invitae), Labcorp
Classification: Uncertain significance. Last evaluated: 2023-06-20. Review status: criteria provided, single submitter. Criteria: Invitae Variant Classification Sherloc (09022015). Collection method: clinical testing. Allele origin: germline.
Comment: This sequence change replaces arginine, which is basic and polar, with histidine, which is basic and polar, at codon 881 of the TRRAP protein (p.Arg881His). This variant is present in population databases (rs782386735, gnomAD 0.006%). This variant has not been reported in the literature in individuals affected with TRRAP-related conditions. Advanced modeling of protein sequence and biophysical properties (such as structural, functional, and spatial information, amino acid conservation, physicochemical variation, residue mobility, and thermodynamic stability) performed at Invitae indicates that this missense variant is not expected to disrupt TRRAP protein function. In summary, the available evidence is currently insufficient to determine the role of this variant in disease. Therefore, it has been classified as a Variant of Uncertain Significance.